The following is an entry in ClinVar:

NM_181882.3(PRX):c.1549C>T (p.Leu517Phe)

Gene: PRX (periaxin; minus strand). Cytogenetic location: 19q13.2.
Variant type: single nucleotide variant.
Coding change: c.1549C>T on transcript NM_181882.3 (MANE Select); coding-DNA position 1549, C replaced by T.
Protein change: p.Leu517Phe; replaces leucine 517 with phenylalanine.
Molecular consequence: missense variant. On other transcripts: 3 prime UTR variant (1).
Genome position (GRCh38, 1-based): chr19:40,396,803, G>A on the plus strand (C>T on the coding strand, the complement: PRX is on the minus strand). VCF-style: chr19-40396803-G-A. GRCh37 (hg19) VCF-style: chr19-40902710-G-A.
Other names: c.*1754C>T (NM_020956.2); short protein forms L517F.
Identifiers: ClinVar variation 939087 (VCV000939087.7), dbSNP rs2079443162, ClinGen allele CA405898167.

ClinVar aggregate classification (germline): Uncertain significance (1 of 4 stars; one submission).

Conditions:
Charcot-Marie-Tooth disease type 4. Also called: Charcot-Marie-Tooth disease, type IV; Charcot-Marie-Tooth, Type 4. Identifiers: Orphanet 64749, MedGen C4082197, MONDO:0018995.

Allele frequency attached by ClinVar (database versions not stated): gnomAD exomes 0.00002.
gnomAD v4.1: 14 of 1,613,790 alleles (0.00087%); highest among the groups gnomAD compares: East Asian, 0.031%; no homozygotes.

Submission:

Labcorp Genetics (formerly Invitae), Labcorp
Classification: Uncertain significance for Charcot-Marie-Tooth disease type 4. Last evaluated: 2021-08-26. Review status: criteria provided, single submitter. Criteria: Invitae Variant Classification Sherloc (09022015). Collection method: clinical testing. Allele origin: germline.
Comment: This sequence change replaces leucine with phenylalanine at codon 517 of the PRX protein (p.Leu517Phe). The leucine residue is weakly conserved and there is a small physicochemical difference between leucine and phenylalanine. This variant is not present in population databases (ExAC no frequency). This variant has not been reported in the literature in individuals affected with PRX-related conditions. Algorithms developed to predict the effect of missense changes on protein structure and function are either unavailable or do not agree on the potential impact of this missense change (SIFT: "Deleterious"; PolyPhen-2: "Possibly Damaging"; Align-GVGD: "Class C0"). In summary, the available evidence is currently insufficient to determine the role of this variant in disease. Therefore, it has been classified as a Variant of Uncertain Significance.